The following is an entry in ClinVar:

NM_005529.7(HSPG2):c.4409G>A (p.Arg1470Gln)

Gene: HSPG2 (heparan sulfate proteoglycan 2; minus strand). Cytogenetic location: 1p36.12.
Variant type: single nucleotide variant.
Coding change: c.4409G>A on transcript NM_005529.7 (MANE Select); coding-DNA position 4409, G replaced by A.
Protein change: p.Arg1470Gln; replaces arginine 1470 with glutamine.
Molecular consequence: missense variant.
Genome position (GRCh38, 1-based): chr1:21,865,060, C>T on the plus strand (G>A on the coding strand, the complement: HSPG2 is on the minus strand). VCF-style: chr1-21865060-C-T. GRCh37 (hg19) VCF-style: chr1-22191553-C-T.
Other names: c.4412G>A, p.Arg1471Gln (NM_001291860.2); short protein forms R1470Q, R1471Q.
Identifiers: ClinVar variation 295846 (VCV000295846.13), dbSNP rs41310382, ClinGen allele CA672276.
Genomic context (GRCh38, chr1:21,865,060, plus strand): 5'-TCATCCAGGTCGGCCAGTGCCATCAGGAGGTGCTCGCGTGTGGCCGGCTGCCCATCGGGC[C>T]GGCGCCAGAATTCCTGGGTTGGGGGTGGCAACGTGGGCGGGGGCAGTGGGCTTTGTGGGC-3'
Protein context (NP_005520.4, residues 1460-1480): EIMFREEFWR[Arg1470Gln]PDGQPATREH

ClinVar aggregate classification (germline): Uncertain significance. Review status: criteria provided, multiple submitters, no conflicts (2 of 4 stars). 5 submissions from 4 submitters: Uncertain significance (5). Last evaluated 2022-11-08.

Conditions:
Lethal Kniest-like syndrome (DDSH). Also called: Dyssegmental Dysplasia. Identifiers: Orphanet 1865, MedGen C1857100, MONDO:0009140, OMIM 224410.
Schwartz-Jampel syndrome. Also called: Myotonic myopathy dwarfism chondrodystrophy and ocular and facial abnormalities. Identifiers: Orphanet 800, MedGen C0036391, MONDO:0009717.
Inborn genetic diseases. Identifiers: MedGen C0950123, MeSH D030342.

Allele frequency attached by ClinVar (database versions not stated): gnomAD exomes 0.00003 and 0.00008; ExAC 0.00004; gnomAD 0.00004 and 0.00005; TOPMed 0.00006; 1000 Genomes Project 30x 0.00016; 1000 Genomes Project 0.00020.

Submissions (5):

Ambry Genetics
Classification: Uncertain significance for Inborn genetic diseases. Last evaluated: 2022-11-08. Review status: criteria provided, single submitter. Criteria: Ambry Variant Classification Scheme 2023. Collection method: clinical testing. Allele origin: germline.

Labcorp Genetics (formerly Invitae), Labcorp
Classification: Uncertain significance. Last evaluated: 2021-10-24. Review status: criteria provided, single submitter. Criteria: Invitae Variant Classification Sherloc (09022015). Collection method: clinical testing. Allele origin: germline.
Comment: In summary, the available evidence is currently insufficient to determine the role of this variant in disease. Therefore, it has been classified as a Variant of Uncertain Significance. Algorithms developed to predict the effect of missense changes on protein structure and function are either unavailable or do not agree on the potential impact of this missense change (SIFT: "Deleterious"; PolyPhen-2: "Probably Damaging"; Align-GVGD: "Class C0"). ClinVar contains an entry for this variant (Variation ID: 295846). This variant has not been reported in the literature in individuals affected with HSPG2-related conditions. This variant is present in population databases (rs41310382, ExAC 0.008%). This sequence change replaces arginine with glutamine at codon 1470 of the HSPG2 protein (p.Arg1470Gln). The arginine residue is highly conserved and there is a small physicochemical difference between arginine and glutamine.

Revvity Omics, Revvity
Classification: Uncertain significance. Last evaluated: 2019-06-26. Review status: criteria provided, single submitter. Criteria: ACMG Guidelines, 2015. Collection method: clinical testing. Allele origin: germline.

Illumina Laboratory Services, Illumina
Classification: Uncertain significance for Lethal Kniest-like syndrome. Last evaluated: 2018-01-12. Review status: criteria provided, single submitter. Criteria: ICSL Variant Classification Criteria 13 December 2019. Collection method: clinical testing. Allele origin: germline.

Illumina Laboratory Services, Illumina
Classification: Uncertain significance for Schwartz-Jampel syndrome type 1. Last evaluated: 2018-01-12. Review status: criteria provided, single submitter. Criteria: ICSL Variant Classification Criteria 13 December 2019. Collection method: clinical testing. Allele origin: germline.